The following is an entry in ClinVar:

NM_000384.3(APOB):c.2245-3C>A

Gene: APOB (apolipoprotein B; minus strand). Cytogenetic location: 2p24.1.
Variant type: single nucleotide variant.
Coding change: c.2245-3C>A on transcript NM_000384.3 (MANE Select); 3 bases into the intron before coding-DNA position 2245, C replaced by A.
Molecular consequence: intron variant.
Genome position (GRCh38, 1-based): chr2:21,025,127, G>T on the plus strand (C>A on the coding strand, the complement: APOB is on the minus strand). VCF-style: chr2-21025127-G-T. GRCh37 (hg19) VCF-style: chr2-21247999-G-T.
Identifiers: ClinVar variation 5026878 (VCV005026878.1).

ClinVar aggregate classification (germline): Uncertain significance (1 of 4 stars; one submission).

Conditions:
Cardiovascular phenotype. Identifiers: MedGen CN230736.

gnomAD v4.1: 2 of 1,613,586 alleles (0.00012%); highest among the groups gnomAD compares: Non-Finnish European, 0.000085%; no homozygotes.

Submission:

Ambry Genetics
Classification: Uncertain significance for Cardiovascular phenotype. Last evaluated: 2026-06-25. Review status: criteria provided, single submitter. Criteria: Ambry Variant Classification Scheme 2023. Collection method: clinical testing. Allele origin: germline.
Comment: The c.2245-3C>A intronic variant results from a C to A substitution 3 nucleotides upstream from coding exon 16 in the APOB gene. This nucleotide position is not well conserved in available vertebrate species. In silico splice site analysis predicts that this alteration may weaken the native splice acceptor site. Based on the available evidence, the clinical significance of this variant remains unclear.